The following is an entry in ClinVar:

NM_022436.3(ABCG5):c.150C>T (p.Arg50=)

Gene: ABCG5 (ATP binding cassette subfamily G member 5; minus strand). Cytogenetic location: 2p21.
Variant type: single nucleotide variant.
Coding change: c.150C>T on transcript NM_022436.3 (MANE Select); coding-DNA position 150, C replaced by T.
Protein change: p.Arg50=; no amino-acid change (arginine 50 retained).
Molecular consequence: synonymous variant.
Genome position (GRCh38, 1-based): chr2:43,837,949, G>A on the plus strand (C>T on the coding strand, the complement: ABCG5 is on the minus strand). VCF-style: chr2-43837949-G-A. GRCh37 (hg19) VCF-style: chr2-44065088-G-A.
Identifiers: ClinVar variation 1774162 (VCV001774162.4), dbSNP rs747612113, ClinGen allele CA1636760.

ClinVar aggregate classification (germline): Likely benign. Review status: criteria provided, multiple submitters, no conflicts (2 of 4 stars). 3 submissions from 3 submitters: Likely benign (3). Last evaluated 2025-04-24.

Conditions:
Cardiovascular phenotype. Identifiers: MedGen CN230736.
ABCG5-related disorder. Also called: ABCG5-related condition.

Allele frequency attached by ClinVar (database versions not stated): ExAC 0.00001; gnomAD exomes 0.00001; TOPMed 0.00003; gnomAD 0.00005.
gnomAD v4.1: 15 of 1,613,828 alleles (0.00093%); highest among the groups gnomAD compares: African/African-American, 0.013%; no homozygotes.

Submissions (3):

PreventionGenetics, part of Exact Sciences
Classification: Likely benign for ABCG5-related condition. Last evaluated: 2025-04-24. Review status: criteria provided, single submitter. Criteria: ACMG Guidelines, 2015. Collection method: clinical testing. Allele origin: germline.
Comment: This variant is classified as likely benign based on ACMG/AMP sequence variant interpretation guidelines (Richards et al. 2015 PMID: 25741868, with internal and published modifications).

Women's Health and Genetics/Laboratory Corporation of America, LabCorp
Classification: Likely benign. Last evaluated: 2024-07-27. Review status: criteria provided, single submitter. Criteria: LabCorp Variant Classification Summary - May 2015. Collection method: clinical testing. Allele origin: germline.

Ambry Genetics
Classification: Likely benign for Cardiovascular phenotype. Last evaluated: 2019-12-05. Review status: criteria provided, single submitter. Criteria: Ambry Variant Classification Scheme 2023. Collection method: clinical testing. Allele origin: germline.